The following is an entry in ClinVar:

NM_001845.6(COL4A1):c.4625G>A (p.Arg1542Lys)

Gene: COL4A1 (collagen type IV alpha 1 chain; minus strand). Cytogenetic location: 13q34.
Variant type: single nucleotide variant.
Coding change: c.4625G>A on transcript NM_001845.6 (MANE Select); coding-DNA position 4625, G replaced by A.
Protein change: p.Arg1542Lys; replaces arginine 1542 with lysine.
Molecular consequence: missense variant.
Genome position (GRCh38, 1-based): chr13:110,161,207, C>T on the plus strand (G>A on the coding strand, the complement: COL4A1 is on the minus strand). VCF-style: chr13-110161207-C-T. GRCh37 (hg19) VCF-style: chr13-110813554-C-T.
Other names: short protein forms R1542K.
Identifiers: ClinVar variation 2859782 (VCV002859782.3), dbSNP rs2501734755, ClinGen allele CA388657007.

ClinVar aggregate classification (germline): Uncertain significance (1 of 4 stars; one submission).

gnomAD v4.1: 4 of 1,614,208 alleles (0.00025%); highest among the groups gnomAD compares: Non-Finnish European, 0.00034%; no homozygotes.

Submission:

Labcorp Genetics (formerly Invitae), Labcorp
Classification: Uncertain significance. Last evaluated: 2023-04-27. Review status: criteria provided, single submitter. Criteria: Invitae Variant Classification Sherloc (09022015). Collection method: clinical testing. Allele origin: germline.
Comment: This sequence change replaces arginine, which is basic and polar, with lysine, which is basic and polar, at codon 1542 of the COL4A1 protein (p.Arg1542Lys). This variant is not present in population databases (gnomAD no frequency). This variant has not been reported in the literature in individuals affected with COL4A1-related conditions. Experimental studies and prediction algorithms are not available or were not evaluated, and the functional significance of this variant is currently unknown. In summary, the available evidence is currently insufficient to determine the role of this variant in disease. Therefore, it has been classified as a Variant of Uncertain Significance.